The following is an entry in ClinVar:

ClinVar aggregate classification (germline): Benign (1 of 4 stars; one submission).

gnomAD v4.1: 628 of 950,136 alleles (0.066%); highest among the groups gnomAD compares: African/African-American, 1.1%; 8 homozygotes.

Submission:

CeGaT Center for Human Genetics Tuebingen
Classification: Benign. Last evaluated: 2026-03-01. Review status: criteria provided, single submitter. Criteria: CeGaT Center For Human Genetics Tuebingen Variant Classification Criteria Version 2. Collection method: clinical testing. Allele origin: germline. Affected: yes. Observed: 1 variant allele.
Comment: MCPH1: BS1, BS2

NM_024596.5(MCPH1):c.2452+3207G>A

Genes: MCPH1 (microcephalin 1; plus strand), MCPH1-AS1 (MCPH1 antisense RNA 1; minus strand). Cytogenetic location: 8p23.1.
Variant type: single nucleotide variant.
Coding change: c.2452+3207G>A on transcript NM_024596.5 (MANE Select); 3207 bases into the intron after coding-DNA position 2452, G replaced by A.
Molecular consequence: intron variant. On other transcripts: missense variant (1).
Genome position (GRCh38, 1-based): chr8:6,624,898, G>A. VCF-style: chr8-6624898-G-A. GRCh37 (hg19) VCF-style: chr8-6482419-G-A.
Other names: c.2455G>A, p.Gly819Arg (NM_001322042.2); c.2173+3207G>A (NM_001363980.2); c.2452+3207G>A (NM_001363979.1); c.2453-1059G>A (NM_001410917.1); short protein forms G819R.
Identifiers: ClinVar variation 4821742 (VCV004821742.4).
Genomic context (GRCh38, chr8:6,624,898, plus strand): 5'-TATTTGCTTATTCTCTAACCAGAAACAAATCATATACTTTTTTTTTTTTTTTTCTGAGAT[G>A]GAGTCTCGCTGTGTCACCAGGCTGGAGTGTGCAGTGATGAGATCTCAGCTCACTGCAACC-3'